The following is an entry in ClinVar:

NM_004006.3(DMD):c.10429C>T (p.Gln3477Ter)

Gene: DMD (dystrophin; minus strand). Cytogenetic location: Xp21.2.
Variant type: single nucleotide variant.
Coding change: c.10429C>T on transcript NM_004006.3 (MANE Select); coding-DNA position 10429, C replaced by T.
Protein change: p.Gln3477Ter; replaces glutamine 3477 with a stop codon.
Molecular consequence: nonsense. On other transcripts: intron variant (2).
Genome position (GRCh38, 1-based): chrX:31,169,567, G>A on the plus strand (C>T on the coding strand, the complement: DMD is on the minus strand). VCF-style: chrX-31169567-G-A. GRCh37 (hg19) VCF-style: chrX-31187684-G-A.
Other names: NM_004006.3(DMD):c.10429C>T; p.Gln3477Ter; c.10405C>T, p.Gln3469Ter (NM_000109.4); c.10417C>T, p.Gln3473Ter (NM_004009.3); c.10060C>T, p.Gln3354Ter (NM_004010.3); c.6406C>T, p.Gln2136Ter (NM_004011.4); c.6397C>T, p.Gln2133Ter (NM_004012.4); c.3049C>T, p.Gln1017Ter (NM_004013.3, NM_004021.3); and 5 more; short protein forms Q2133*, Q2136*, Q3354*, Q3477*, Q1004*, Q409*, Q396*, Q748*.
Identifiers: ClinVar variation 803786 (VCV000803786.6), dbSNP rs895755247, ClinGen allele CA412651998.

ClinVar aggregate classification (germline): Pathogenic/Likely pathogenic. Review status: criteria provided, multiple submitters, no conflicts (2 of 4 stars). 3 submissions from 3 submitters: Pathogenic (2); Likely pathogenic (1). Last evaluated 2023-05-02.

Conditions:
Duchenne muscular dystrophy (DMD). Also called: Duchenne Muscular Dystrophy (DMD); MUSCULAR DYSTROPHY, PSEUDOHYPERTROPHIC PROGRESSIVE, DUCHENNE TYPE. Identifiers: Orphanet 98896, MedGen C0013264, MONDO:0010679, OMIM 310200.

Submissions (3):

Broad Center for Mendelian Genomics, Broad Institute of MIT and Harvard
Classification: Likely pathogenic for Duchenne muscular dystrophy. Last evaluated: 2023-05-02. Review status: criteria provided, single submitter. Criteria: ACMG Guidelines, 2015. Collection method: curation. Allele origin: germline. Inheritance: X-linked inheritance.
Comment: The p.Gln3477Ter variant in DMD has not been previously reported in the literature in individuals with Duchenne muscular dystrophy. This variant has also been reported in ClinVar (Variation ID: 803786) and has been interpreted as pathogenic by Mendelics and PerkinElmer Genomics. This variant was absent from large population studies. This nonsense variant leads to a premature termination codon at position 3477, which is predicted to lead to a truncated or absent protein. Loss of function of the DMD gene is an established disease mechanism in X-linked Duchenne muscular dystrophy. In summary, although additional studies are required to fully establish its clinical significance, this variant is likely pathogenic for X-linked Duchenne muscular dystrophy. ACMG/AMP Criteria applied: PVS1, PM2_Supporting (Richards 2015).

Revvity Omics, Revvity
Classification: Pathogenic. Last evaluated: 2019-06-12. Review status: criteria provided, single submitter. Criteria: ACMG Guidelines, 2015. Collection method: clinical testing. Allele origin: germline.

Mendelics
Classification: Pathogenic for Duchenne muscular dystrophy. Last evaluated: 2019-05-28. Review status: criteria provided, single submitter. Criteria: Mendelics Assertion Criteria 2017. Collection method: clinical testing. Allele origin: unknown.